The following is an entry in ClinVar:

NM_000044.6(AR):c.1009G>C (p.Gly337Arg)

Gene: AR (androgen receptor; plus strand). Cytogenetic location: Xq12.
Variant type: single nucleotide variant.
Coding change: c.1009G>C on transcript NM_000044.6 (MANE Select); coding-DNA position 1009, G replaced by C.
Protein change: p.Gly337Arg; replaces glycine 337 with arginine.
Molecular consequence: missense variant. On other transcripts: 5 prime UTR variant (1).
Genome position (GRCh38, 1-based): chrX:67,546,155, G>C. VCF-style: chrX-67546155-G-C. GRCh37 (hg19) VCF-style: chrX-66765997-G-C.
Other names: c.-775G>C (NM_001011645.3); c.1009G>C, p.Gly337Arg (NM_001348061.1, NM_001348063.1, NM_001348064.1); short protein forms G337R.
Identifiers: ClinVar variation 2504264 (VCV002504264.1), dbSNP rs1363782162, ClinGen allele CA413426116.
Genomic context (GRCh38, chrX:67,546,155, plus strand): 5'-ACCAAAGGGCTAGAAGGCGAGAGCCTAGGCTGCTCTGGCAGCGCTGCAGCAGGGAGCTCC[G>C]GGACACTTGAACTGCCGTCTACCCTGTCTCTCTACAAGTCCGGAGCACTGGACGAGGCAG-3'
Protein context (NP_000035.2, residues 327-347): CSGSAAAGSS[Gly337Arg]TLELPSTLSL

ClinVar aggregate classification (germline): Uncertain significance (1 of 4 stars; one submission).

Submission:

GeneDx
Classification: Uncertain significance. Last evaluated: 2022-11-30. Review status: criteria provided, single submitter. Criteria: GeneDx Variant Classification Process June 2021. Collection method: clinical testing. Allele origin: germline. Affected: yes.
Comment: Not observed at significant frequency in large population cohorts (gnomAD); Missense variants in this gene are often considered pathogenic (HGMD); In silico analysis supports that this missense variant does not alter protein structure/function; Has not been previously published as pathogenic or benign to our knowledge